The following is an entry in ClinVar:

NM_006766.5(KAT6A):c.4754G>A (p.Ser1585Asn)

Gene: KAT6A (lysine acetyltransferase 6A; minus strand). Cytogenetic location: 8p11.21.
Variant type: single nucleotide variant.
Coding change: c.4754G>A on transcript NM_006766.5 (MANE Select); coding-DNA position 4754, G replaced by A.
Protein change: p.Ser1585Asn; replaces serine 1585 with asparagine.
Molecular consequence: missense variant.
Genome position (GRCh38, 1-based): chr8:41,933,466, C>T on the plus strand (G>A on the coding strand, the complement: KAT6A is on the minus strand). VCF-style: chr8-41933466-C-T. GRCh37 (hg19) VCF-style: chr8-41790984-C-T.
Other names: short protein forms S1585N.
Identifiers: ClinVar variation 3367400 (VCV003367400.1).

ClinVar aggregate classification (germline): Uncertain significance (1 of 4 stars; one submission).

gnomAD v4.1: 2 of 1,613,186 alleles (0.00012%); highest among the groups gnomAD compares: Admixed American, 0.0017%; no homozygotes.

Submission:

GeneDx
Classification: Uncertain significance. Last evaluated: 2024-01-25. Review status: criteria provided, single submitter. Criteria: GeneDx Variant Classification Process June 2021. Collection method: clinical testing. Allele origin: germline. Affected: yes.
Comment: Not observed at significant frequency in large population cohorts (gnomAD); In silico analysis supports that this missense variant does not alter protein structure/function; Has not been previously published as pathogenic or benign to our knowledge